The following is an entry in ClinVar:

NM_023110.3(FGFR1):c.1913A>G (p.Lys638Arg)

Gene: FGFR1 (fibroblast growth factor receptor 1; minus strand). Cytogenetic location: 8p11.23.
Variant type: single nucleotide variant.
Coding change: c.1913A>G on transcript NM_023110.3 (MANE Select); coding-DNA position 1913, A replaced by G.
Protein change: p.Lys638Arg; replaces lysine 638 with arginine.
Molecular consequence: missense variant.
Genome position (GRCh38, 1-based): chr8:38,414,843, T>C on the plus strand (A>G on the coding strand, the complement: FGFR1 is on the minus strand). VCF-style: chr8-38414843-T-C. GRCh37 (hg19) VCF-style: chr8-38272361-T-C.
Other names: c.1907A>G, p.Lys636Arg (NM_001174063.2, NM_001174065.2, NM_001354367.2 and 1 more transcripts); c.1883A>G, p.Lys628Arg (NM_001174064.2); c.1646A>G, p.Lys549Arg (NM_001174066.2, NM_023105.3); c.2006A>G, p.Lys669Arg (NM_001174067.2); c.1634A>G, p.Lys545Arg (NM_001354368.2); c.1901A>G, p.Lys634Arg (NM_001354369.2, NM_001410922.1); c.1640A>G, p.Lys547Arg (NM_001354370.2, NM_023106.3); short protein forms K545R, K547R, K549R, K628R, K634R, K636R, K638R, K669R.
Identifiers: ClinVar variation 4530557 (VCV004530557.1).
Genomic context (GRCh38, chr8:38,414,843, plus strand): 5'-GTTGTCTTTTTATAGTAGTCGATGTGGTGAATGTCCCGTGCGAGGCCAAAGTCTGCTATC[T>C]TCATCACATTGTCCTCTGTCACCAGGACATTCCTGGCTGCCAGGTCTCGGTGTATGCACT-3'
Protein context (NP_075598.2, residues 628-648): NVLVTEDNVM[Lys638Arg]IADFGLARDI

ClinVar aggregate classification (somatic clinical impact): Tier II - Potential (1 of 4 stars; one submission).

Conditions:
High-grade astrocytoma with piloid features. Identifiers: MedGen C5670122, MONDO:0858958.

Submission:

Institute for Genomic Medicine (IGM) Clinical Laboratory, Nationwide Children's Hospital
Classification: Tier II - Potential for High-grade astrocytoma with piloid features. Assertion type: diagnostic. Clinical significance: supports diagnosis. Last evaluated: 2024-12-18. Review status: criteria provided, single submitter. Criteria: AMP/ASCO/CAP Guidelines, 2017. Collection method: clinical testing. Allele origin: somatic. Affected: yes.
Comment: Variant has Tier II (potential) clinical significance as a diagnostic inclusion criterion in high-grade astrocytoma with piloid features, based on the following evidence: 1) Appears in one or more well-established professional guidelines (e.g., World Health Organization [WHO]; National Comprehensive Cancer Network [NCCN]) as providing diagnostic, prognostic, or therapeutic information. 2) Diagnostic significance based on multiple small studies (Evidence Level C; PMIDs: 29564591, 36271929, 31677015, 36418240).

Literature cited by the submitters: PubMed 29564591; PubMed 36271929; PubMed 31677015; PubMed 36418240.